The following continues an entry in ClinVar:

NM_000218.3(KCNQ1):c.1096C>T (p.Arg366Trp)

Gene: KCNQ1. ClinVar aggregate classification (germline): Likely pathogenic. Likely pathogenic (1).

Submissions 9 to 18 of 18:

GeneDx
Classification: Pathogenic. Last evaluated: 2022-01-10. Review status: criteria provided, single submitter. Criteria: GeneDx Variant Classification Process June 2021. Collection method: clinical testing. Allele origin: germline. Affected: yes. Not counted in ClinVar's aggregate classification.
Comment: Not observed at significant frequency in large population cohorts (gnomAD); Functional studies in cultured mammalian cells and/or Xenopus oocytes demonstrate that R366W impairs calmodulin binding and disrupts channel expression and function (Shamgar et al., 2006); In silico analysis supports that this missense variant has a deleterious effect on protein structure/function; Reported in ClinVar as pathogenic or likely pathogenic (ClinVar Variant ID#52955; ClinVar); This variant is associated with the following publications: (PMID: 24357532, 26063740, 27231019, 9693036, 22949429, 16556865, 25525159, 15466642, 19716085, 10220146, 14678125, 12388934, 24606995, 26669661, 31737537, 31447099, 29790872, 29740400, 30508507, 34135346, 34691145, 29497013)

Molecular Diagnostic Laboratory for Inherited Cardiovascular Disease, Montreal Heart Institute
Classification: Pathogenic for Long QT syndrome 1. Last evaluated: 2020-02-25. Review status: criteria provided, single submitter. Criteria: ACMG Guidelines, 2015. Collection method: clinical testing. Allele origin: germline. Affected: yes. Not counted in ClinVar's aggregate classification.

MVZ Martinsried, Medicover Genetics
Classification: Pathogenic for Long QT syndrome 1. Last evaluated: 2020-01-16. Review status: criteria provided, single submitter. Criteria: ACMG Guidelines, 2015. Collection method: clinical testing. Allele origin: unknown. Affected: yes. Not counted in ClinVar's aggregate classification.

Cambridge Genomics Laboratory, East Genomic Laboratory Hub, NHS Genomic Medicine Service
Classification: Pathogenic for Long QT syndrome. Last evaluated: 2018-09-20. Review status: criteria provided, single submitter. Criteria: ACGS Best Practice Guidelines for Variant Classification in Rare Disease 2020. Collection method: clinical testing. Allele origin: germline. Affected: yes. Observed: 1 variant allele. Not counted in ClinVar's aggregate classification.

Laboratory for Molecular Medicine, Mass General Brigham Personalized Medicine
Classification: Likely pathogenic for Familial long QT syndrome. Last evaluated: 2017-07-24. Review status: criteria provided, single submitter. Criteria: LMM Criteria. Collection method: clinical testing. Allele origin: germline. Inheritance: Autosomal dominant inheritance. Observed: 2 variant alleles. Not counted in ClinVar's aggregate classification.
Comment: The p.Arg366Trp variant in KCNQ1 has been reported in >12 individuals with long QT syndrome (Splawski 1998, Choi 2004, Kapplinger 2009, Kapa 2009, Giudicessi 20 12, and Torekov 2014) and has also been reported by other clinical laboratories in ClinVar (Variation ID 52955). This variant was absent from large population s tudies. In vitro functional studies provide some evidence that the p.Arg366Trp v ariant may impact protein function (Shamgar 2006). Computational prediction tool s and conservation analysis suggest that this variant may impact the protein. In summary, although additional studies are required to fully establish its clinic al significance, the p.Arg366Trp variant meets criteria to be likely pathogenic for autosomal dominant long QT syndrome. ACMG/AMP Criteria applied: PM2, PS4_Mo derate, PS3_Supporting, PP3.

HudsonAlpha Institute for Biotechnology
Classification: Pathogenic for Long QT syndrome 1. Last evaluated: 2015-02-10. Review status: criteria provided, single submitter. Criteria: HA_assertions_20150911. Collection method: research. Allele origin: unknown, maternal. Observed: 2 variant alleles. Study: CSER-HudsonAlpha. Not counted in ClinVar's aggregate classification.

Bioscientia Institut fuer Medizinische Diagnostik GmbH, Sonic Healthcare
Classification: Pathogenic for Long QT syndrome 1. Last evaluated: 2018-02-19. Review status: no assertion criteria provided. Collection method: clinical testing. Allele origin: germline. Affected: yes. Not counted in ClinVar's aggregate classification.

Cardiovascular Biomedical Research Unit, Royal Brompton & Harefield NHS Foundation Trust
No classification provided. Condition: Familial long QT syndrome. Review status: no classification provided. Collection method: literature only. Allele origin: germline. Not counted in ClinVar's aggregate classification.
Comment: This variant has been reported as associated with Long QT syndrome in the following publications (PMID:9693036;PMID:10220146;PMID:11668638;PMID:14678125;PMID:15466642;PMID:15840476;PMID:16937190;PMID:19716085;PMID:19841300;PMID:10090529). This is a literature report, and does not necessarily reflect the clinical interpretation of the Imperial College / Royal Brompton Cardiovascular Genetics laboratory.

Genome Diagnostics Laboratory, University Medical Center Utrecht
Classification: Pathogenic. Review status: no assertion criteria provided. Collection method: clinical testing. Allele origin: germline. Affected: yes. Study: VKGL Data-share Consensus. Not counted in ClinVar's aggregate classification.

Joint Genome Diagnostic Labs from Nijmegen and Maastricht, Radboudumc and MUMC+
Classification: Pathogenic. Review status: no assertion criteria provided. Collection method: clinical testing. Allele origin: germline. Affected: yes. Study: VKGL Data-share Consensus. Not counted in ClinVar's aggregate classification.

Literature cited by the submitters: PubMed 9693036 (cited by 4 submitters); PubMed 15466642 (cited by 4 submitters); PubMed 19716085 (cited by 3 submitters); PubMed 19841300 (cited by 4 submitters); PubMed 22949429 (cited by 3 submitters); PubMed 24357532 (cited by 3 submitters); PubMed 16556865 (cited by 4 submitters); PubMed 9024139 (cited by Labcorp Genetics (formerly Invitae), Labcorp and Laboratory for Molecular Medicine, Mass General Brigham Personalized Medicine); PubMed 10973849 (cited by 3 submitters); PubMed 19934648 (cited by Labcorp Genetics (formerly Invitae), Labcorp); PubMed 20196769 (cited by Ambry Genetics); PubMed 20541041 (cited by Ambry Genetics); PubMed 21499742 (cited by Ambry Genetics and Women's Health and Genetics/Laboratory Corporation of America, LabCorp); PubMed 24363352 (cited by Ambry Genetics); PubMed 24606995 (cited by Ambry Genetics); PubMed 25467552 (cited by Ambry Genetics); PubMed 26063740 (cited by Ambry Genetics); PubMed 29497013 (cited by Ambry Genetics); PubMed 29790872 (cited by Ambry Genetics); PubMed 31737537 (cited by Ambry Genetics); PubMed 17192539 (cited by Women's Health and Genetics/Laboratory Corporation of America, LabCorp); PubMed 10220146 (cited by Cardiovascular Biomedical Research Unit, Royal Brompton & Harefield NHS Foundation Trust); PubMed 11668638 (cited by Cardiovascular Biomedical Research Unit, Royal Brompton & Harefield NHS Foundation Trust); PubMed 14678125 (cited by Cardiovascular Biomedical Research Unit, Royal Brompton & Harefield NHS Foundation Trust); PubMed 15840476 (cited by Cardiovascular Biomedical Research Unit, Royal Brompton & Harefield NHS Foundation Trust); PubMed 16937190 (cited by Cardiovascular Biomedical Research Unit, Royal Brompton & Harefield NHS Foundation Trust); PubMed 10090529 (cited by Cardiovascular Biomedical Research Unit, Royal Brompton & Harefield NHS Foundation Trust); PubMed 22581653 (cited by Cardiovascular Biomedical Research Unit, Royal Brompton & Harefield NHS Foundation Trust).